The following is an entry in ClinVar:

NM_032380.5(GFM2):c.2219C>T (p.Ser740Leu)

Gene: GFM2 (GTP dependent ribosome recycling factor mitochondrial 2; minus strand). Cytogenetic location: 5q13.3.
Variant type: single nucleotide variant.
Coding change: c.2219C>T on transcript NM_032380.5 (MANE Select); coding-DNA position 2219, C replaced by T.
Protein change: p.Ser740Leu; replaces serine 740 with leucine.
Molecular consequence: missense variant. On other transcripts: non-coding transcript variant (1).
Genome position (GRCh38, 1-based): chr5:74,721,776, G>A on the plus strand (C>T on the coding strand, the complement: GFM2 is on the minus strand). VCF-style: chr5-74721776-G-A. GRCh37 (hg19) VCF-style: chr5-74017601-G-A.
Other names: c.2315C>T, p.Ser772Leu (NM_001281302.2); c.2078C>T, p.Ser693Leu (NM_170691.3); short protein forms S693L, S740L, S772L.
Identifiers: ClinVar variation 2580023 (VCV002580023.1), dbSNP rs969651735, ClinGen allele CA120908788.
Genomic context (GRCh38, chr5:74,721,776, plus strand): 5'-TAAGTAGATAGTTCTAAGGCAAAAGTAGCTGAGCCTGATGTTAGCGTTCGAAGCACAGTT[G>A]AATAACCCTAATCAAAATAATTTAAGTCATTTATATTATCAAATTTAAGCCTCAAGTTTC-3'
Protein context (NP_115756.2, residues 730-750): FVPLAEIMGY[Ser740Leu]TVLRTLTSGS

ClinVar aggregate classification (germline): Uncertain significance (1 of 4 stars; one submission).

Submission:

GeneDx
Classification: Uncertain significance. Last evaluated: 2023-03-13. Review status: criteria provided, single submitter. Criteria: GeneDx Variant Classification Process June 2021. Collection method: clinical testing. Allele origin: germline. Affected: yes.
Comment: Not observed at significant frequency in large population cohorts (gnomAD); In silico analysis supports that this missense variant has a deleterious effect on protein structure/function; Has not been previously published as pathogenic or benign to our knowledge; In silico analysis is inconclusive as to whether the variant alters gene splicing. In the absence of RNA/functional studies, the actual effect of this sequence change is unknown.